The following is an entry in ClinVar:

ClinVar aggregate classification (germline): Uncertain significance (1 of 4 stars; one submission).

gnomAD v4.1: 7 of 1,614,066 alleles (0.00043%); highest among the groups gnomAD compares: Non-Finnish European, 0.00059%; no homozygotes.

Submission:

Labcorp Genetics (formerly Invitae), Labcorp
Classification: Uncertain significance. Last evaluated: 2025-12-24. Review status: criteria provided, single submitter. Criteria: Invitae Variant Classification Sherloc (09022015). Collection method: clinical testing. Allele origin: germline.
Comment: This sequence change replaces asparagine, which is neutral and polar, with serine, which is neutral and polar, at codon 483 of the MYH3 protein (p.Asn483Ser). This variant is not present in population databases (gnomAD no frequency). This missense change has been observed in individual(s) with MYH3-related conditions (PMID: 19142688). This variant is also known as 1517A>G. Invitae Evidence Modeling of protein sequence and biophysical properties (such as structural, functional, and spatial information, amino acid conservation, physicochemical variation, residue mobility, and thermodynamic stability) has been performed for this missense variant. However, the output from this modeling did not meet the statistical confidence thresholds required to predict the impact of this variant on MYH3 protein function. In summary, the available evidence is currently insufficient to determine the role of this variant in disease. Therefore, it has been classified as a Variant of Uncertain Significance.

Literature cited by the submitters: PubMed 19142688.

NM_002470.4(MYH3):c.1448A>G (p.Asn483Ser)

Gene: MYH3 (myosin heavy chain 3; minus strand). Cytogenetic location: 17p13.1.
Variant type: single nucleotide variant.
Coding change: c.1448A>G on transcript NM_002470.4 (MANE Select); coding-DNA position 1448, A replaced by G.
Protein change: p.Asn483Ser; replaces asparagine 483 with serine.
Molecular consequence: missense variant.
Genome position (GRCh38, 1-based): chr17:10,642,959, T>C on the plus strand (A>G on the coding strand, the complement: MYH3 is on the minus strand). VCF-style: chr17-10642959-T-C. GRCh37 (hg19) VCF-style: chr17-10546276-T-C.
Other names: short protein forms N483S.
Identifiers: ClinVar variation 4763801 (VCV004763801.1).